The following is an entry in ClinVar:

ClinVar aggregate classification (germline): Likely benign. Review status: criteria provided, multiple submitters, no conflicts (2 of 4 stars). 2 submissions from 2 submitters: Likely benign (2). Last evaluated 2026-04-23.

Conditions:
Cardiovascular phenotype. Identifiers: MedGen CN230736.

Allele frequency attached by ClinVar (database versions not stated): gnomAD below 0.00001 and 0.00001; gnomAD exomes below 0.00001 and 0.00002; ExAC 0.00003.
gnomAD v4.1: 9 of 1,614,014 alleles (0.00056%); highest among the groups gnomAD compares: South Asian, 0.0077%; no homozygotes.

Submissions (2):

Ambry Genetics
Classification: Likely benign for Cardiovascular phenotype. Last evaluated: 2026-04-23. Review status: criteria provided, single submitter. Criteria: Ambry Variant Classification Scheme 2023. Collection method: clinical testing. Allele origin: germline.

GeneDx
Classification: Likely benign. Last evaluated: 2016-05-18. Review status: criteria provided, single submitter. Criteria: GeneDx Variant Classification (06012015). Collection method: clinical testing. Allele origin: germline. Affected: yes.
Comment: This variant is considered likely benign or benign based on one or more of the following criteria: it is a conservative change, it occurs at a poorly conserved position in the protein, it is predicted to be benign by multiple in silico algorithms, and/or has population frequency not consistent with disease.

NM_001148.6(ANK2):c.3175T>C (p.Leu1059=)

Gene: ANK2 (ankyrin 2; plus strand). Cytogenetic location: 4q26.
Variant type: single nucleotide variant.
Coding change: c.3175T>C on transcript NM_001148.6 (MANE Select); coding-DNA position 3175, T replaced by C.
Protein change: p.Leu1059=; no amino-acid change (leucine 1059 retained).
Molecular consequence: synonymous variant. On other transcripts: intron variant (42).
Genome position (GRCh38, 1-based): chr4:113,332,021, T>C. VCF-style: chr4-113332021-T-C. GRCh37 (hg19) VCF-style: chr4-114253177-T-C.
Other names: c.3148T>C, p.Leu1050= (NM_001127493.3); c.3187T>C, p.Leu1063= (NM_001354225.2); c.3217T>C, p.Leu1073= (NM_001354231.2, NM_001354242.2); c.3211T>C, p.Leu1071= (NM_001354232.2); c.3172T>C, p.Leu1058= (NM_001354235.2, NM_001354246.2, NM_001354265.2); c.3253T>C, p.Leu1085= (NM_001354237.2); c.3145T>C, p.Leu1049= (NM_001354239.2, NM_001354252.2); c.3220T>C, p.Leu1074= (NM_001354240.2, NM_001354241.2, NM_001386144.1); and 28 more.
Identifiers: ClinVar variation 386342 (VCV000386342.2), dbSNP rs750369992, ClinGen allele CA3050790.